The following is an entry in ClinVar:

NM_002103.5(GYS1):c.1399A>G (p.Asn467Asp)

Gene: GYS1 (glycogen synthase 1; minus strand). Cytogenetic location: 19q13.33.
Variant type: single nucleotide variant.
Coding change: c.1399A>G on transcript NM_002103.5 (MANE Select); coding-DNA position 1399, A replaced by G.
Protein change: p.Asn467Asp; replaces asparagine 467 with aspartic acid.
Molecular consequence: missense variant. On other transcripts: non-coding transcript variant (1).
Genome position (GRCh38, 1-based): chr19:48,974,643, T>C on the plus strand (A>G on the coding strand, the complement: GYS1 is on the minus strand). VCF-style: chr19-48974643-T-C. GRCh37 (hg19) VCF-style: chr19-49477900-T-C.
Other names: c.1207A>G, p.Asn403Asp (NM_001161587.2); short protein forms N467D, N403D.
Identifiers: ClinVar variation 4055872 (VCV004055872.1).

ClinVar aggregate classification (germline): Uncertain significance (1 of 4 stars; one submission).

Submission:

GeneDx
Classification: Uncertain significance. Last evaluated: 2025-01-03. Review status: criteria provided, single submitter. Criteria: GeneDx Variant Classification Process June 2021. Collection method: clinical testing. Allele origin: germline. Affected: yes.
Comment: Not observed at significant frequency in large population cohorts (gnomAD); In silico analysis supports that this missense variant has a deleterious effect on protein structure/function; Has not been previously published as pathogenic or benign to our knowledge